The following is an entry in ClinVar:

ClinVar aggregate classification (germline): Uncertain significance (1 of 4 stars; one submission).

Allele frequency attached by ClinVar (database versions not stated): gnomAD exomes below 0.00001.
gnomAD v4.1: 1 of 1,612,460 alleles (0.000062%); highest among the groups gnomAD compares: Non-Finnish European, 0.000085%; no homozygotes.

Submission:

Labcorp Genetics (formerly Invitae), Labcorp
Classification: Uncertain significance. Last evaluated: 2022-06-10. Review status: criteria provided, single submitter. Criteria: Invitae Variant Classification Sherloc (09022015). Collection method: clinical testing. Allele origin: germline.
Comment: In summary, the available evidence is currently insufficient to determine the role of this variant in disease. Therefore, it has been classified as a Variant of Uncertain Significance. Algorithms developed to predict the effect of missense changes on protein structure and function are either unavailable or do not agree on the potential impact of this missense change (SIFT: "Deleterious"; PolyPhen-2: "Probably Damaging"; Align-GVGD: "Class C0"). This variant has not been reported in the literature in individuals affected with IARS2-related conditions. This variant is not present in population databases (gnomAD no frequency). This sequence change replaces lysine, which is basic and polar, with glutamic acid, which is acidic and polar, at codon 667 of the IARS2 protein (p.Lys667Glu).

NM_018060.4(IARS2):c.1999A>G (p.Lys667Glu)

Gene: IARS2 (isoleucyl-tRNA synthetase 2, mitochondrial; plus strand). Cytogenetic location: 1q41.
Variant type: single nucleotide variant.
Coding change: c.1999A>G on transcript NM_018060.4 (MANE Select); coding-DNA position 1999, A replaced by G.
Protein change: p.Lys667Glu; replaces lysine 667 with glutamic acid.
Molecular consequence: missense variant.
Genome position (GRCh38, 1-based): chr1:220,136,861, A>G. VCF-style: chr1-220136861-A-G. GRCh37 (hg19) VCF-style: chr1-220310203-A-G.
Other names: short protein forms K667E.
Identifiers: ClinVar variation 2130166 (VCV002130166.4), dbSNP rs2528571784, ClinGen allele CA344611881.